The following is an entry in ClinVar:

ClinVar aggregate classification (germline): Benign. Review status: criteria provided, single submitter (1 of 4 stars). 3 submissions from 3 submitters: Benign (1). 2 of the submissions do not count toward it. Last evaluated 2024-11-01.

Allele frequency attached by ClinVar (database versions not stated): 1000 Genomes Project 0.00060; 1000 Genomes Project 30x 0.00062; ExAC 0.00169; gnomAD exomes 0.00172; gnomAD 0.00180 and 0.00193; TOPMed 0.00190; ESP Exome Variant Server 0.00246.
gnomAD v4.1: 4,387 of 1,614,186 alleles (0.27%); highest among the groups gnomAD compares: Non-Finnish European, 0.35%; 4 homozygotes.

Submissions (10):

CeGaT Center for Human Genetics Tuebingen
Classification: Benign. Last evaluated: 2024-11-01. Review status: criteria provided, single submitter. Criteria: CeGaT Center For Human Genetics Tuebingen Variant Classification Criteria Version 2. Collection method: clinical testing. Allele origin: germline. Affected: yes. Observed: 2 variant alleles.
Comment: EIF4G1: BS1, BS2

Clinical Genetics DNA and cytogenetics Diagnostics Lab, Erasmus MC, Erasmus Medical Center
Classification: Likely benign. Review status: no assertion criteria provided. Collection method: clinical testing. Allele origin: germline. Affected: yes. Study: VKGL Data-share Consensus. Not counted in ClinVar's aggregate classification.

Dr. Peter K. Rogan Lab, Western University
No classification provided (evidence only). Condition: Melanoma. Review status: no classification provided. Collection method: in vitro. Allele origin: not applicable. Functional consequence: retained intron. Not counted in ClinVar's aggregate classification.

Dr. Peter K. Rogan Lab, Western University
No classification provided (evidence only). Condition: Familial cancer of breast. Review status: no classification provided. Collection method: in vitro. Allele origin: not applicable. Functional consequence: retained intron. Not counted in ClinVar's aggregate classification.

Dr. Peter K. Rogan Lab, Western University
No classification provided (evidence only). Condition: Colon adenocarcinoma. Review status: no classification provided. Collection method: in vitro. Allele origin: not applicable. Functional consequence: retained intron. Not counted in ClinVar's aggregate classification.

Dr. Peter K. Rogan Lab, Western University
No classification provided (evidence only). Condition: Uterine corpus endometrial carcinoma. Review status: no classification provided. Collection method: in vitro. Allele origin: not applicable. Functional consequence: retained intron. Not counted in ClinVar's aggregate classification.

Dr. Peter K. Rogan Lab, Western University
No classification provided (evidence only). Condition: Ovarian serous cystadenocarcinoma. Review status: no classification provided. Collection method: in vitro. Allele origin: not applicable. Functional consequence: retained intron. Not counted in ClinVar's aggregate classification.

Dr. Peter K. Rogan Lab, Western University
No classification provided (evidence only). Condition: Chronic lymphocytic leukemia/small lymphocytic lymphoma. Review status: no classification provided. Collection method: in vitro. Allele origin: not applicable. Functional consequence: retained intron. Not counted in ClinVar's aggregate classification.

Dr. Peter K. Rogan Lab, Western University
No classification provided (evidence only). Condition: Familial pancreatic carcinoma. Review status: no classification provided. Collection method: in vitro. Allele origin: not applicable. Functional consequence: retained intron. Not counted in ClinVar's aggregate classification.

Genome Diagnostics Laboratory, Amsterdam University Medical Center
Classification: Likely benign. Review status: no assertion criteria provided. Collection method: clinical testing. Allele origin: germline. Affected: yes. Study: VKGL Data-share Consensus. Not counted in ClinVar's aggregate classification.

NM_198241.3(EIF4G1):c.1796-3C>T

Gene: EIF4G1 (eukaryotic translation initiation factor 4 gamma 1; plus strand). Cytogenetic location: 3q27.1.
Variant type: single nucleotide variant.
Coding change: c.1796-3C>T on transcript NM_198241.3 (MANE Select); 3 bases into the intron before coding-DNA position 1796, C replaced by T.
Molecular consequence: intron variant.
Genome position (GRCh38, 1-based): chr3:184,322,818, C>T. VCF-style: chr3-184322818-C-T. GRCh37 (hg19) VCF-style: chr3-184040606-C-T.
Other names: NC_000003.11:g.184040606C>T; c.1676-3C>T (NM_001291157.2); c.1817-3C>T (NM_001194946.2, NM_001194947.2); c.1535-3C>T (NM_198244.3); c.1304-3C>T (NM_198242.3); c.1796-3C>T (NM_182917.4); c.1208-3C>T (NM_004953.5).
Identifiers: ClinVar variation 1209929 (VCV001209929.21), dbSNP rs190378563, ClinGen allele CA2732324.
Genomic context (GRCh38, chr3:184,322,818, plus strand): 5'-CTTGAGTTTTCTTATTAGGGCCAGAGGAGGCAGTATGATTGCTTCATTCTGTTTTCCTTG[C>T]AGATCAGTGGAAGCCTCTAAACCTAGAGGAGAAAAAACGTTACGACCGTGAGTTCCTGCT-3'